The following is an entry in ClinVar:

NM_138387.4(G6PC3):c.635del (p.Leu212fs)

Gene: G6PC3 (glucose-6-phosphatase catalytic subunit 3; plus strand). Cytogenetic location: 17q21.31.
Variant type: Deletion.
Coding change: c.635del on transcript NM_138387.4 (MANE Select); coding-DNA position 635, one base deleted (T; older notation c.635delT).
Protein change: p.Leu212fs; shifts the reading frame from leucine 212.
Molecular consequence: frameshift variant.
Genome position (GRCh38, 1-based): chr17:44,075,409, T deleted. VCF-style (leftmost placement, unchanged base first): chr17-44075408-CT-C. GRCh37 (hg19) VCF-style: chr17-42152776-CT-C.
Other names: c.516del, p.His173fs (NM_001319945.2); c.290del, p.Leu97fs (NM_001384165.1, NM_001384166.1, NM_001384167.1 and 1 more transcripts); short protein forms L97fs, L212fs, H173fs.
Identifiers: ClinVar variation 1451174 (VCV001451174.8), dbSNP rs769634275, ClinGen allele CA8596102.

ClinVar aggregate classification (germline): Pathogenic (1 of 4 stars; one submission).

Conditions:
Autosomal recessive severe congenital neutropenia due to G6PC3 deficiency. Also called: NEUTROPENIA, SEVERE CONGENITAL, 4, AUTOSOMAL RECESSIVE; G6PC3 Deficiency. Identifiers: Orphanet 331176, MedGen C2751630, MONDO:0012930, OMIM 612541.

Allele frequency attached by ClinVar (database versions not stated): gnomAD exomes 0.00001 and below 0.00001; ExAC 0.00001.

Submission:

Labcorp Genetics (formerly Invitae), Labcorp
Classification: Pathogenic for Autosomal recessive severe congenital neutropenia due to G6PC3 deficiency. Last evaluated: 2023-03-09. Review status: criteria provided, single submitter. Criteria: Invitae Variant Classification Sherloc (09022015). Collection method: clinical testing. Allele origin: germline.
Comment: This sequence change creates a premature translational stop signal (p.Leu212Profs*19) in the G6PC3 gene. While this is not anticipated to result in nonsense mediated decay, it is expected to disrupt the last 135 amino acid(s) of the G6PC3 protein. This variant is present in population databases (rs769634275, gnomAD 0.0009%). This variant has not been reported in the literature in individuals affected with G6PC3-related conditions. ClinVar contains an entry for this variant (Variation ID: 1451174). This variant disrupts a region of the G6PC3 protein in which other variant(s) (p.Gln277*) have been determined to be pathogenic (PMID: 19118303, 23171239). This suggests that this is a clinically significant region of the protein, and that variants that disrupt it are likely to be disease-causing. For these reasons, this variant has been classified as Pathogenic.

Literature cited by the submitters: PubMed 19118303; PubMed 23171239.